The following is an entry in ClinVar:

NC_000010.10:g.(?_48370533)_(48438710_?)dup

Genes: GDF10 (growth differentiation factor 10; plus strand), GDF2 (growth differentiation factor 2; plus strand), RBP3 (retinol binding protein 3; plus strand), ZNF488 (zinc finger protein 488; minus strand). Cytogenetic location: 10q11.22.
Variant type: Duplication.
Identifiers: ClinVar variation 832579 (VCV000832579.1).

ClinVar aggregate classification (germline): Uncertain significance (1 of 4 stars; one submission).

Submission:

Labcorp Genetics (formerly Invitae), Labcorp
Classification: Uncertain significance. Last evaluated: 2020-01-03. Review status: criteria provided, single submitter. Criteria: Invitae Variant Classification Sherloc (09022015). Collection method: clinical testing. Allele origin: germline.
Comment: This variant results in a copy number gain of the genomic region encompassing the full coding sequence of the RBP3 gene. The boundaries of this event are unknown as they extend beyond the assayed region for this gene and therefore may encompass additional genes. As the precise location of this event is unknown, it may be in tandem or it may be located elsewhere in the genome. This variant has not been reported in the literature in individuals with RBP3-related conditions. In summary, the available evidence is currently insufficient to determine the role of this variant in disease. Therefore, it has been classified as a Variant of Uncertain Significance.